The following is an entry in ClinVar:

NM_000059.4(BRCA2):c.8100A>G (p.Ile2700Met)

Gene: BRCA2 (BRCA2 DNA repair associated; plus strand). Cytogenetic location: 13q13.1.
Variant type: single nucleotide variant.
Coding change: c.8100A>G on transcript NM_000059.4 (MANE Select); coding-DNA position 8100, A replaced by G.
Protein change: p.Ile2700Met; replaces isoleucine 2700 with methionine.
Molecular consequence: missense variant.
Genome position (GRCh38, 1-based): chr13:32,363,302, A>G. VCF-style: chr13-32363302-A-G. GRCh37 (hg19) VCF-style: chr13-32937439-A-G.
Other names: short protein forms I2700M.
Identifiers: ClinVar variation 483079 (VCV000483079.13), dbSNP rs1555286995, ClinGen allele CA387749304.

ClinVar aggregate classification (germline): Conflicting classifications of pathogenicity. Review status: criteria provided, conflicting classifications (1 of 4 stars). 4 submissions from 4 submitters: Uncertain significance (2); Benign (1); Likely benign (1). Last evaluated 2026-01-08.

Conditions:
Hereditary cancer-predisposing syndrome. Also called: Tumor predisposition; Hereditary Cancer Syndrome; Neoplastic Syndromes, Hereditary; Hereditary neoplastic syndrome. Identifiers: Orphanet 140162, MedGen C0027672, MeSH D009386, MONDO:0015356.
Hereditary breast ovarian cancer syndrome. Also called: Breast and ovarian cancer; Hereditary breast and ovarian cancer; Hereditary breast and/or ovarian cancer syndrome; Hereditary breast and ovarian cancer syndrome; Hereditary breast and ovarian cancer syndrome (HBOC); BRCA1- and BRCA2-Associated Hereditary Breast and Ovarian Cancer. Identifiers: Orphanet 145, MedGen C0677776, MeSH D061325, MONDO:0003582. Disease mechanism: loss of function.
Breast-ovarian cancer, familial, susceptibility to, 2 (BROVCA2). Also called: BRCA2 Hereditary Breast and Ovarian Cancer. Identifiers: Orphanet 145, MedGen C2675520, MONDO:0012933, OMIM 612555. Disease mechanism: loss of function.

Submissions (4):

Myriad Genetics, Inc.
Classification: Likely benign for Breast-ovarian cancer, familial, susceptibility to, 2. Last evaluated: 2026-01-08. Review status: criteria provided, single submitter. Criteria: Myriad Autosomal Dominant, Autosomal Recessive and X-Linked Classification Criteria (2023). Collection method: clinical testing. Allele origin: unknown.
Comment: This variant is considered likely benign. Homozygosity for this variant has been confirmed in one or more individuals lacking clinical features consistent with gene-specific recessive disease, indicating that this variant is unlikely to be pathogenic.

Labcorp Genetics (formerly Invitae), Labcorp
Classification: Uncertain significance for Hereditary breast ovarian cancer syndrome. Last evaluated: 2025-07-31. Review status: criteria provided, single submitter. Criteria: Invitae Variant Classification Sherloc (09022015). Collection method: clinical testing. Allele origin: germline.
Comment: This sequence change replaces isoleucine, which is neutral and non-polar, with methionine, which is neutral and non-polar, at codon 2700 of the BRCA2 protein (p.Ile2700Met). This variant is not present in population databases (gnomAD no frequency). This variant has not been reported in the literature in individuals affected with BRCA2-related conditions. ClinVar contains an entry for this variant (Variation ID: 483079). Invitae Evidence Modeling of protein sequence and biophysical properties (such as structural, functional, and spatial information, amino acid conservation, physicochemical variation, residue mobility, and thermodynamic stability) indicates that this missense variant is not expected to disrupt BRCA2 protein function with a negative predictive value of 95%. In summary, the available evidence is currently insufficient to determine the role of this variant in disease. Therefore, it has been classified as a Variant of Uncertain Significance.

Ambry Genetics
Classification: Benign for Hereditary cancer-predisposing syndrome. Last evaluated: 2025-05-09. Review status: criteria provided, single submitter. Criteria: Ambry Variant Classification Scheme 2023. Collection method: clinical testing. Allele origin: germline.

Women's Health and Genetics/Laboratory Corporation of America, LabCorp
Classification: Uncertain significance. Last evaluated: 2020-09-14. Review status: criteria provided, single submitter. Criteria: LabCorp Variant Classification Summary - May 2015. Collection method: clinical testing. Allele origin: germline.
Comment: Variant summary: BRCA2 c.8100A>G (p.Ile2700Met) results in a conservative amino acid change in the encoded protein sequence. Three of five in-silico tools predict a benign effect of the variant on protein function. The variant was absent in 251356 control chromosomes. The available data on variant occurrences in the general population are insufficient to allow any conclusion about variant significance. To our knowledge, no occurrence of c.8100A>G in individuals affected with Hereditary Breast And Ovarian Cancer Syndrome and no experimental evidence demonstrating its impact on protein function have been reported. One clinical diagnostic laboratory has submitted clinical-significance assessments for this variant to ClinVar after 2014 without evidence for independent evaluation and classified the variant as uncertain significance. Based on the evidence outlined above, the variant was classified as uncertain significance.